The following is an entry in ClinVar:

ClinVar aggregate classification (germline): Uncertain significance (1 of 4 stars; one submission).

Allele frequency attached by ClinVar (database versions not stated): ExAC 0.00002; gnomAD exomes 0.00002 and 0.00003; TOPMed 0.00002; gnomAD 0.00003 and 0.00004.
gnomAD v4.1: 37 of 1,612,398 alleles (0.0023%); highest among the groups gnomAD compares: South Asian, 0.029%; 1 homozygote.

Submission:

Labcorp Genetics (formerly Invitae), Labcorp
Classification: Uncertain significance. Last evaluated: 2021-03-29. Review status: criteria provided, single submitter. Criteria: Invitae Variant Classification Sherloc (09022015). Collection method: clinical testing. Allele origin: germline.
Comment: This variant is present in population databases (rs749540956, ExAC 0.006%). This variant has not been reported in the literature in individuals with CCDC50-related conditions. Algorithms developed to predict the effect of missense changes on protein structure and function (SIFT, PolyPhen-2, Align-GVGD) all suggest that this variant is likely to be tolerated, but these predictions have not been confirmed by published functional studies and their clinical significance is uncertain. In summary, the available evidence is currently insufficient to determine the role of this variant in disease. Therefore, it has been classified as a Variant of Uncertain Significance. This sequence change replaces arginine with cysteine at codon 138 of the CCDC50 protein (p.Arg138Cys). The arginine residue is weakly conserved and there is a large physicochemical difference between arginine and cysteine.

NM_178335.3(CCDC50):c.412C>T (p.Arg138Cys)

Gene: CCDC50 (coiled-coil domain containing 50; plus strand). Cytogenetic location: 3q28.
Variant type: single nucleotide variant.
Coding change: c.412C>T on transcript NM_178335.3 (MANE Select); coding-DNA position 412, C replaced by T.
Protein change: p.Arg138Cys; replaces arginine 138 with cysteine.
Molecular consequence: missense variant.
Genome position (GRCh38, 1-based): chr3:191,370,000, C>T. VCF-style: chr3-191370000-C-T. GRCh37 (hg19) VCF-style: chr3-191087789-C-T.
Other names: c.412C>T, p.Arg138Cys (NM_174908.4); short protein forms R138C.
Identifiers: ClinVar variation 1434224 (VCV001434224.8), dbSNP rs749540956, ClinGen allele CA2755247.